The following is an entry in ClinVar:

ClinVar aggregate classification (germline): Uncertain significance (1 of 4 stars; one submission).

Conditions:
Bethlem myopathy 1A. Also called: Bethlem Muscular Dystrophy; MYOPATHY, BENIGN CONGENITAL, WITH CONTRACTURES; Bethlem myopathy 1. Identifiers: Orphanet 610, MedGen CN029274, MONDO:0024530, OMIM 158810.

Submission:

Labcorp Genetics (formerly Invitae), Labcorp
Classification: Uncertain significance for Bethlem myopathy 1A. Last evaluated: 2018-06-20. Review status: criteria provided, single submitter. Criteria: Invitae Variant Classification Sherloc (09022015). Collection method: clinical testing. Allele origin: germline.
Comment: In summary, the available evidence is currently insufficient to determine the role of this variant in disease. Therefore, it has been classified as a Variant of Uncertain Significance. Algorithms developed to predict the effect of missense changes on protein structure and function are either unavailable or do not agree on the potential impact of this missense change (SIFT: "Tolerated"; PolyPhen-2: "Probably Damaging"; Align-GVGD: "Class C0"). This variant has not been reported in the literature in individuals with COL6A1-related disease. This variant is not present in population databases (ExAC no frequency). This sequence change replaces glutamic acid with aspartic acid at codon 577 of the COL6A1 protein (p.Glu577Asp). The glutamic acid residue is highly conserved and there is a small physicochemical difference between glutamic acid and aspartic acid.

NM_001848.3(COL6A1):c.1731G>C (p.Glu577Asp)

Gene: COL6A1 (collagen type VI alpha 1 chain; plus strand). Cytogenetic location: 21q22.3.
Variant type: single nucleotide variant.
Coding change: c.1731G>C on transcript NM_001848.3 (MANE Select); coding-DNA position 1731, G replaced by C.
Protein change: p.Glu577Asp; replaces glutamic acid 577 with aspartic acid.
Molecular consequence: missense variant.
Genome position (GRCh38, 1-based): chr21:45,999,209, G>C. VCF-style: chr21-45999209-G-C. GRCh37 (hg19) VCF-style: chr21-47419123-G-C.
Other names: short protein forms E577D.
Identifiers: ClinVar variation 1042196 (VCV001042196.9), dbSNP rs755214430, ClinGen allele CA410530913.
Genomic context (GRCh38, chr21:45,999,209, plus strand): 5'-CTAGAACAACGACATTGCACCCCGAGGAGTCAAAGGAGCAAAGGGGTACCGGGGTCCCGA[G>C]GGCCCCCAGGTGGGTGGATGTGGCTGGGTGAGGCCACGGTGGGCTGTGCCTGGGACGCCG-3'
Protein context (NP_001839.2, residues 567-587): VKGAKGYRGP[Glu577Asp]GPQGPPGHQG